The following is an entry in ClinVar:

NM_000548.5(TSC2):c.3615C>T (p.Asn1205=)

Gene: TSC2 (TSC complex subunit 2; plus strand). Cytogenetic location: 16p13.3.
Variant type: single nucleotide variant.
Coding change: c.3615C>T on transcript NM_000548.5 (MANE Select); coding-DNA position 3615, C replaced by T.
Protein change: p.Asn1205=; no amino-acid change (asparagine 1205 retained).
Molecular consequence: synonymous variant.
Genome position (GRCh38, 1-based): chr16:2,081,599, C>T. VCF-style: chr16-2081599-C-T. GRCh37 (hg19) VCF-style: chr16-2131600-C-T.
Other names: c.3483C>T, p.Asn1161= (NM_001077183.3, NM_001370404.1); c.3615C>T, p.Asn1205= (NM_001114382.3); c.3375C>T, p.Asn1125= (NM_001318827.2); c.3339C>T, p.Asn1113= (NM_001318829.2); c.2883C>T, p.Asn961= (NM_001318831.2); c.3516C>T, p.Asn1172= (NM_001318832.2); c.3486C>T, p.Asn1162= (NM_001363528.2, NM_001370405.1, NM_021055.3).
Identifiers: ClinVar variation 413726 (VCV000413726.12), dbSNP rs924403519, ClinGen allele CA16614993.
Genomic context (GRCh38, chr16:2,081,599, plus strand): 5'-AGAGATGGGTAAGGGGAGGTACTGGCCTCAGGCCAAAGGTGCTGCCGCCTCCGCAGGGAA[C>T]ACCAGCTGGCTGATGAGCCTGGAGAACCCGCTCAGCCCTTTCTCCTCGGACATCAACAAC-3'
Protein context (NP_000539.2, residues 1195-1215): AEILVRRPTG[Asn1205=]TSWLMSLENP

ClinVar aggregate classification (germline): Benign/Likely benign. Review status: criteria provided, multiple submitters, no conflicts (2 of 4 stars). 3 submissions from 3 submitters: Benign (1); Likely benign (2). Last evaluated 2025-05-30.

Conditions:
Hereditary cancer-predisposing syndrome. Also called: Tumor predisposition; Neoplastic Syndromes, Hereditary; Hereditary Cancer Syndrome; Hereditary neoplastic syndrome. Identifiers: Orphanet 140162, MedGen C0027672, MeSH D009386, MONDO:0015356.
Tuberous sclerosis 2 (TSC2). Identifiers: Orphanet 805, MedGen C1860707, MONDO:0013199, OMIM 613254.

Allele frequency attached by ClinVar (database versions not stated): TOPMed 0.00001; gnomAD 0.00001.
gnomAD v4.1: 1 of 1,612,788 alleles (0.000062%); highest among the groups gnomAD compares: Non-Finnish European, 0.000085%; no homozygotes.

Submissions (3):

Myriad Genetics, Inc.
Classification: Benign for Tuberous sclerosis 2. Last evaluated: 2025-05-30. Review status: criteria provided, single submitter. Criteria: Myriad Autosomal Dominant, Autosomal Recessive and X-Linked Classification Criteria (2023). Collection method: clinical testing. Allele origin: unknown.
Comment: This variant is considered benign. This variant is a silent/synonymous amino acid change and it is not expected to impact splicing.

Labcorp Genetics (formerly Invitae), Labcorp
Classification: Likely benign for Tuberous sclerosis 2. Last evaluated: 2024-10-10. Review status: criteria provided, single submitter. Criteria: Invitae Variant Classification Sherloc (09022015). Collection method: clinical testing. Allele origin: germline.

Ambry Genetics
Classification: Likely benign for Hereditary cancer-predisposing syndrome. Last evaluated: 2021-03-08. Review status: criteria provided, single submitter. Criteria: Ambry Variant Classification Scheme 2023. Collection method: clinical testing. Allele origin: germline.